The following is an entry in ClinVar:

NM_001267550.2(TTN):c.86105_86108del (p.Ile28702fs)

Genes: TTN (titin; minus strand), TTN-AS1 (TTN antisense RNA 1; plus strand). Cytogenetic location: 2q31.2.
Variant type: Deletion.
Coding change: c.86105_86108del on transcript NM_001267550.2 (MANE Select); coding-DNA positions 86105 to 86108, 4 bases deleted (TTCA; older notation c.86105_86108delTTCA).
Protein change: p.Ile28702fs; shifts the reading frame from isoleucine 28702.
Molecular consequence: frameshift variant.
Genome position (GRCh38, 1-based): chr2:178,560,024-178,560,027, TGAA deleted on the plus strand (TTCA on the coding strand, the reverse complement: TTN is on the minus strand); deleting any 4 consecutive bases within chr2:178,560,024-178,560,029 gives the same sequence; the c. name uses the placement nearest the transcript's 3' end. VCF-style (leftmost placement, unchanged base first): chr2-178560023-CTGAA-C. GRCh37 (hg19) VCF-style: chr2-179424750-CTGAA-C.
Other names: c.81182_81185del, p.Ile27061fs (NM_001256850.1); c.58910_58913del, p.Ile19637fs (NM_003319.4); c.78401_78404del, p.Ile26134fs (NM_133378.4); c.59285_59288del, p.Ile19762fs (NM_133432.3); c.59486_59489del, p.Ile19829fs (NM_133437.4); c.58910_58913delTTCA (NM_003319.4); short protein forms I19762fs, I19829fs, I26134fs, I27061fs, I28702fs, I19637fs.
Identifiers: ClinVar variation 1750319 (VCV001750319.4), dbSNP rs2469642822, ClinGen allele CA2580064854.

ClinVar aggregate classification (germline): Likely pathogenic (1 of 4 stars; one submission).

Conditions:
Cardiovascular phenotype. Identifiers: MedGen CN230736.

Submission:

Ambry Genetics
Classification: Likely pathogenic for Cardiovascular phenotype. Last evaluated: 2024-09-24. Review status: criteria provided, single submitter. Criteria: Ambry Variant Classification Scheme 2023. Collection method: clinical testing. Allele origin: germline.
Comment: The c.58910_58913delTTCA variant, located in coding exon 153 of the TTN gene, results from a deletion of 4 nucleotides at nucleotide positions 58910 to 58913, causing a translational frameshift with a predicted alternate stop codon (p.I19637Rfs*10). This exon is located in the A-band region of the N2-B isoform of the titin protein and is constitutively expressed in TTN transcripts (percent spliced in or PSI 100%). This variant is considered to be rare based on population cohorts in the Genome Aggregation Database (gnomAD). This alteration is expected to result in loss of function by premature protein truncation or nonsense-mediated mRNA decay. While truncating variants in TTN are present in 1-3% of the general population, truncating variants in the A-band are the most common cause of dilated cardiomyopathy (DCM) (Herman DS et al. N. Engl. J. Med. 2012 Feb;366:619-28; Roberts AM et al. Sci Transl Med. 2015 Jan;7:270ra6). TTN truncating variants encoded in constitutive exons (PSI >90%) have been found to be significantly associated with DCM regardless of their position in titin (Schafer S et al. Nat. Genet. 2017 Jan;49:46-53). As such, this alteration is classified as likely pathogenic.